The following is an entry in ClinVar:

NM_024795.4(TM4SF20):c.194CAA[2] (p.Thr67del)

Genes: TM4SF20 (transmembrane 4 L six family member 20; minus strand), LOC126806540 (CDK7 strongly-dependent group 2 enhancer GRCh37_chr2:228235290-228236489; plus strand). Cytogenetic location: 2q36.3.
Variant type: Microsatellite.
Coding change: c.194CAA[2] on transcript NM_024795.4 (MANE Select); two copies in a row of the 3-base unit CAA starting at c.194; the reference has three copies in a row; one copy, 3 bases deleted.
Protein change: p.Thr67del; deletes threonine 67.
Genome position (GRCh38, 1-based): chr2:227,370,962-227,370,964, TTG deleted on the plus strand (CAA on the coding strand, the reverse complement: TM4SF20 is on the minus strand); deleting any 3 consecutive bases within chr2:227,370,962-227,370,970 gives the same sequence; the position shown is the placement nearest the transcript's 3' end. VCF-style (leftmost placement, unchanged base first): chr2-227370961-ATTG-A. GRCh37 (hg19) VCF-style: chr2-228235677-ATTG-A.
Other names: short protein forms T67del.
Identifiers: ClinVar variation 3711310 (VCV003711310.2).

ClinVar aggregate classification (germline): Uncertain significance (1 of 4 stars; one submission).

Submission:

Labcorp Genetics (formerly Invitae), Labcorp
Classification: Uncertain significance. Last evaluated: 2024-04-30. Review status: criteria provided, single submitter. Criteria: Invitae Variant Classification Sherloc (09022015). Collection method: clinical testing. Allele origin: germline.
Comment: This variant, c.200_202del, results in the deletion of 1 amino acid(s) of the TM4SF20 protein (p.Thr67del), but otherwise preserves the integrity of the reading frame. This variant is present in population databases (rs750212542, gnomAD 0.06%). This variant has not been reported in the literature in individuals affected with TM4SF20-related conditions. Experimental studies and prediction algorithms are not available or were not evaluated, and the functional significance of this variant is currently unknown. In summary, the available evidence is currently insufficient to determine the role of this variant in disease. Therefore, it has been classified as a Variant of Uncertain Significance.